The following is an entry in ClinVar:

NM_001122769.3(LCA5):c.995G>A (p.Gly332Glu)

Gene: LCA5 (lebercilin LCA5; minus strand). Cytogenetic location: 6q14.1.
Variant type: single nucleotide variant.
Coding change: c.995G>A on transcript NM_001122769.3 (MANE Select); coding-DNA position 995, G replaced by A.
Protein change: p.Gly332Glu; replaces glycine 332 with glutamic acid.
Molecular consequence: missense variant.
Genome position (GRCh38, 1-based): chr6:79,491,691, C>T on the plus strand (G>A on the coding strand, the complement: LCA5 is on the minus strand). VCF-style: chr6-79491691-C-T. GRCh37 (hg19) VCF-style: chr6-80201408-C-T.
Other names: c.995G>A, p.Gly332Glu (NM_181714.4); short protein forms G332E.
Identifiers: ClinVar variation 1349058 (VCV001349058.5), dbSNP rs1283987592, ClinGen allele CA364644155.

ClinVar aggregate classification (germline): Uncertain significance (1 of 4 stars; one submission).

Allele frequency attached by ClinVar (database versions not stated): gnomAD exomes below 0.00001.
gnomAD v4.1: 1 of 1,612,906 alleles (0.000062%); highest among the groups gnomAD compares: Non-Finnish European, 0.000085%; no homozygotes.

Submission:

Labcorp Genetics (formerly Invitae), Labcorp
Classification: Uncertain significance. Last evaluated: 2022-03-10. Review status: criteria provided, single submitter. Criteria: Invitae Variant Classification Sherloc (09022015). Collection method: clinical testing. Allele origin: germline.
Comment: This sequence change replaces glycine, which is neutral and non-polar, with glutamic acid, which is acidic and polar, at codon 332 of the LCA5 protein (p.Gly332Glu). This variant is present in population databases (no rsID available, gnomAD 0.0009%). This variant has not been reported in the literature in individuals affected with LCA5-related conditions. Algorithms developed to predict the effect of missense changes on protein structure and function output the following: SIFT: "Deleterious"; PolyPhen-2: "Benign"; Align-GVGD: "Class C0". The glutamic acid amino acid residue is found in multiple mammalian species, which suggests that this missense change does not adversely affect protein function. In summary, the available evidence is currently insufficient to determine the role of this variant in disease. Therefore, it has been classified as a Variant of Uncertain Significance.